The following is an entry in ClinVar:

ClinVar aggregate classification (germline): Uncertain significance. Review status: criteria provided, multiple submitters, no conflicts (2 of 4 stars). 2 submissions from 2 submitters: Uncertain significance (2). Last evaluated 2025-10-16.

Conditions:
Ataxia-telangiectasia syndrome (AT). Also called: Ataxia-telangiectasia; LOUIS-BAR SYNDROME; Ataxia-telangiectasia, complementation group D; AT, COMPLEMENTATION GROUP C; ATAXIA-TELANGIECTASIA, COMPLEMENTATION GROUP A; ATAXIA-TELANGIECTASIA, FRESNO VARIANT. Identifiers: Orphanet 100, MedGen C0004135, MONDO:0008840, OMIM 208900.
Hereditary cancer-predisposing syndrome. Also called: Tumor predisposition; Neoplastic Syndromes, Hereditary; Hereditary Cancer Syndrome; Hereditary neoplastic syndrome. Identifiers: Orphanet 140162, MedGen C0027672, MeSH D009386, MONDO:0015356.

Submissions (2):

Ambry Genetics
Classification: Uncertain significance for Hereditary cancer-predisposing syndrome. Last evaluated: 2025-10-16. Review status: criteria provided, single submitter. Criteria: Ambry Variant Classification Scheme 2023. Collection method: clinical testing. Allele origin: germline.
Comment: The p.P2222R variant (also known as c.6665C>G), located in coding exon 45 of the ATM gene, results from a C to G substitution at nucleotide position 6665. The proline at codon 2222 is replaced by arginine, an amino acid with dissimilar properties. This amino acid position is highly conserved in available vertebrate species. In addition, this alteration is predicted to be deleterious by in silico analysis. Since supporting evidence is limited at this time, the clinical significance of this alteration remains unclear.

Labcorp Genetics (formerly Invitae), Labcorp
Classification: Uncertain significance for Ataxia-telangiectasia syndrome. Last evaluated: 2025-09-24. Review status: criteria provided, single submitter. Criteria: Invitae Variant Classification Sherloc (09022015). Collection method: clinical testing. Allele origin: germline.
Comment: This sequence change replaces proline, which is neutral and non-polar, with arginine, which is basic and polar, at codon 2222 of the ATM protein (p.Pro2222Arg). This variant is not present in population databases (gnomAD no frequency). This variant has not been reported in the literature in individuals affected with ATM-related conditions. ClinVar contains an entry for this variant (Variation ID: 1428485). Invitae Evidence Modeling of protein sequence and biophysical properties (such as structural, functional, and spatial information, amino acid conservation, physicochemical variation, residue mobility, and thermodynamic stability) has been performed for this missense variant. However, the output from this modeling did not meet the statistical confidence thresholds required to predict the impact of this variant on ATM protein function. In summary, the available evidence is currently insufficient to determine the role of this variant in disease. Therefore, it has been classified as a Variant of Uncertain Significance.

Literature cited by the submitters: PubMed 30287823 (cited by Ambry Genetics).

NM_000051.4(ATM):c.6665C>G (p.Pro2222Arg)

Genes: ATM (ATM serine/threonine kinase; plus strand), C11orf65 (chromosome 11 open reading frame 65; minus strand). Cytogenetic location: 11q22.3.
Variant type: single nucleotide variant.
Coding change: c.6665C>G on transcript NM_000051.4 (MANE Select); coding-DNA position 6665, C replaced by G.
Protein change: p.Pro2222Arg; replaces proline 2222 with arginine.
Molecular consequence: missense variant. On other transcripts: intron variant (2).
Genome position (GRCh38, 1-based): chr11:108,325,402, C>G. VCF-style: chr11-108325402-C-G. GRCh37 (hg19) VCF-style: chr11-108196129-C-G.
Other names: c.6665C>G, p.Pro2222Arg (NM_001351834.2); c.641-16331G>C (NM_001330368.2); c.*38+9818G>C (NM_001351110.2); short protein forms P2222R.
Identifiers: ClinVar variation 1428485 (VCV001428485.9), dbSNP rs997021874, ClinGen allele CA228411957.
Genomic context (GRCh38, chr11:108,325,402, plus strand): 5'-ATATTAAGTGGCAGAAACACTCCCAGCTTCTCAAGGACAGTGATTTTAGTTTTCAGGAGC[C>G]TATCATGGCTCTACGCACAGTCATTTTGGAGATCCTGATGGAAAAGGAAATGGACAACTC-3'
Protein context (NP_000042.3, residues 2212-2232): LKDSDFSFQE[Pro2222Arg]IMALRTVILE